The following is an entry in ClinVar:

NM_004606.5(TAF1):c.4931C>T (p.Thr1644Met)

Gene: TAF1 (TATA-box binding protein associated factor 1; plus strand). Cytogenetic location: Xq13.1.
Variant type: single nucleotide variant.
Coding change: c.4931C>T on transcript NM_004606.5 (MANE Select); coding-DNA position 4931, C replaced by T.
Protein change: p.Thr1644Met; replaces threonine 1644 with methionine.
Molecular consequence: missense variant. On other transcripts: non-coding transcript variant (9).
Genome position (GRCh38, 1-based): chrX:71,454,850, C>T. VCF-style: chrX-71454850-C-T. GRCh37 (hg19) VCF-style: chrX-70674700-C-T.
Other names: c.4931C>T, p.Thr1644Met (NM_001286074.2); c.4868C>T, p.Thr1623Met (NM_138923.4); short protein forms T1644M, T1623M.
Identifiers: ClinVar variation 2721137 (VCV002721137.3), dbSNP rs375746213, ClinGen allele CA10447279.

ClinVar aggregate classification (germline): Uncertain significance (1 of 4 stars; one submission).

Allele frequency attached by ClinVar (database versions not stated): TOPMed 0.00001; ExAC 0.00002; gnomAD 0.00002; gnomAD exomes 0.00002; ESP Exome Variant Server 0.00009.
gnomAD v4.1: 26 of 1,206,849 alleles (0.0022%); highest among the groups gnomAD compares: Non-Finnish European, 0.0027%; no homozygotes.

Submission:

Labcorp Genetics (formerly Invitae), Labcorp
Classification: Uncertain significance. Last evaluated: 2023-05-04. Review status: criteria provided, single submitter. Criteria: Invitae Variant Classification Sherloc (09022015). Collection method: clinical testing. Allele origin: germline.
Comment: This sequence change replaces threonine, which is neutral and polar, with methionine, which is neutral and non-polar, at codon 1664 of the TAF1 protein (p.Thr1664Met). This variant is present in population databases (rs375746213, gnomAD 0.004%), including at least one homozygous and/or hemizygous individual. In summary, the available evidence is currently insufficient to determine the role of this variant in disease. Therefore, it has been classified as a Variant of Uncertain Significance. An algorithm developed to predict the effect of missense changes on protein structure and function (PolyPhen-2) suggests that this variant is likely to be disruptive. This variant has not been reported in the literature in individuals affected with TAF1-related conditions.